The following is an entry in ClinVar:

NM_000416.3(IFNGR1):c.1351G>A (p.Ala451Thr)

Gene: IFNGR1 (interferon gamma receptor 1; minus strand). Cytogenetic location: 6q23.3.
Variant type: single nucleotide variant.
Coding change: c.1351G>A on transcript NM_000416.3 (MANE Select); coding-DNA position 1351, G replaced by A.
Protein change: p.Ala451Thr; replaces alanine 451 with threonine.
Molecular consequence: missense variant.
Genome position (GRCh38, 1-based): chr6:137,198,150, C>T on the plus strand (G>A on the coding strand, the complement: IFNGR1 is on the minus strand). VCF-style: chr6-137198150-C-T. GRCh37 (hg19) VCF-style: chr6-137519287-C-T.
Other names: c.1321G>A, p.Ala441Thr (NM_001363526.1); c.1228G>A, p.Ala410Thr (NM_001363527.1); short protein forms A451T, A410T, A441T.
Identifiers: ClinVar variation 1483531 (VCV001483531.8), dbSNP rs769361833, ClinGen allele CA4018764.

ClinVar aggregate classification (germline): Uncertain significance (1 of 4 stars; one submission).

Conditions:
Disseminated atypical mycobacterial infection. Identifiers: MedGen C0694566.

Allele frequency attached by ClinVar (database versions not stated): gnomAD exomes below 0.00001 and 0.00001; ExAC 0.00001; gnomAD 0.00001.
gnomAD v4.1: 6 of 1,614,104 alleles (0.00037%); highest among the groups gnomAD compares: South Asian, 0.0033%; no homozygotes.

Submission:

Labcorp Genetics (formerly Invitae), Labcorp
Classification: Uncertain significance for Disseminated atypical mycobacterial infection. Last evaluated: 2020-12-14. Review status: criteria provided, single submitter. Criteria: Invitae Variant Classification Sherloc (09022015). Collection method: clinical testing. Allele origin: germline.
Comment: In summary, the available evidence is currently insufficient to determine the role of this variant in disease. Therefore, it has been classified as a Variant of Uncertain Significance. Algorithms developed to predict the effect of missense changes on protein structure and function output the following: SIFT: "Tolerated"; PolyPhen-2: "Benign"; Align-GVGD: "Class C0". The threonine amino acid residue is found in multiple mammalian species, suggesting that this missense change does not adversely affect protein function. These predictions have not been confirmed by published functional studies and their clinical significance is uncertain. This variant has not been reported in the literature in individuals with IFNGR1-related conditions. This variant is present in population databases (rs769361833, ExAC 0.006%). This sequence change replaces alanine with threonine at codon 451 of the IFNGR1 protein (p.Ala451Thr). The alanine residue is moderately conserved and there is a small physicochemical difference between alanine and threonine.